The following is an entry in ClinVar:

NM_015459.5(ATL3):c.1035+1G>A

Genes: ATL3 (atlastin GTPase 3; minus strand), LNCROPM (lncRNA regulator of PLAAT3 mediated phospholipid metabolism; plus strand). Cytogenetic location: 11q13.1.
Variant type: single nucleotide variant.
Coding change: c.1035+1G>A on transcript NM_015459.5 (MANE Select); the canonical splice donor site of the intron after coding-DNA position 1035, G replaced by A.
Molecular consequence: splice donor variant.
Genome position (GRCh38, 1-based): chr11:63,635,533, C>T on the plus strand (G>A on the coding strand, the complement: ATL3 is on the minus strand). VCF-style: chr11-63635533-C-T. GRCh37 (hg19) VCF-style: chr11-63403005-C-T.
Other names: c.981+1G>A (NM_001290048.2).
Identifiers: ClinVar variation 2791928 (VCV002791928.4), dbSNP rs2495634456, ClinGen allele CA381026305.

ClinVar aggregate classification (germline): Uncertain significance. Review status: criteria provided, multiple submitters, no conflicts (2 of 4 stars). 2 submissions from 2 submitters: Uncertain significance (2). Last evaluated 2024-06-21.

Conditions:
Neuropathy, hereditary sensory, type 1F. Also called: Hereditary sensory neuropathy type IF; HSN IF. Identifiers: Orphanet 36386, MedGen C3810194, MONDO:0014286, OMIM 615632.

Submissions (2):

3billion
Classification: Uncertain significance for Neuropathy, hereditary sensory, type 1F. Last evaluated: 2024-06-21. Review status: criteria provided, single submitter. Criteria: ACMG Guidelines, 2015. Collection method: clinical testing. Allele origin: germline. Affected: yes.
Comment: The variant is not observed in the gnomAD v4.0.0 dataset. Predicted Consequence/Location: Canonical splice site In silico tools predict the variant to alter splicing and produce an abnormal transcript [SpliceAI: 0.95 (spliceogenicity >=0.2, non-spliceogenicity <0.1)]. Therefore, this variant is classified as VUS according to the recommendation of ACMG/AMP guideline.

Labcorp Genetics (formerly Invitae), Labcorp
Classification: Uncertain significance for Neuropathy, hereditary sensory, type 1F. Last evaluated: 2023-08-09. Review status: criteria provided, single submitter. Criteria: Invitae Variant Classification Sherloc (09022015). Collection method: clinical testing. Allele origin: germline.
Comment: This variant is not present in population databases (gnomAD no frequency). In summary, the available evidence is currently insufficient to determine the role of this variant in disease. Therefore, it has been classified as a Variant of Uncertain Significance. Algorithms developed to predict the effect of sequence changes on RNA splicing suggest that this variant may disrupt the consensus splice site. This variant has not been reported in the literature in individuals affected with ATL3-related conditions. This sequence change affects a donor splice site in intron 10 of the ATL3 gene. It is expected to disrupt RNA splicing. Variants that disrupt the donor or acceptor splice site typically lead to a loss of protein function (PMID: 16199547), however the current clinical and genetic evidence is not sufficient to establish whether loss-of-function variants in ATL3 cause disease.

Literature cited by the submitters: PubMed 16199547 (cited by Labcorp Genetics (formerly Invitae), Labcorp).